The following is an entry in ClinVar:

ClinVar aggregate classification (germline): Uncertain significance. Review status: criteria provided, multiple submitters, no conflicts (2 of 4 stars). 3 submissions from 3 submitters: Uncertain significance (2). 1 of the submissions does not count toward it. Last evaluated 2026-01-18.

Conditions:
Dyskeratosis congenita. Identifiers: Orphanet 1775, MedGen C0265965, MONDO:0015780.
Dyskeratosis congenita, autosomal recessive 5 (DKCB5). Identifiers: MedGen C3554656, MONDO:0014076, OMIM 615190.
Pulmonary fibrosis and/or bone marrow failure, Telomere-related, 3. Also called: PULMONARY FIBROSIS AND/OR BONE MARROW FAILURE SYNDROME, TELOMERE-RELATED, 3. Identifiers: Orphanet 2032, MedGen C4225346, MONDO:0014613, OMIM 616373.
Inborn genetic diseases. Identifiers: MedGen C0950123, MeSH D030342.

Allele frequency attached by ClinVar (database versions not stated): gnomAD 0.00003; TOPMed 0.00004.

Submissions (3):

Labcorp Genetics (formerly Invitae), Labcorp
Classification: Uncertain significance for Dyskeratosis congenita, autosomal recessive 5; Pulmonary fibrosis and/or bone marrow failure, Telomere-related, 3. Last evaluated: 2026-01-18. Review status: criteria provided, single submitter. Criteria: Invitae Variant Classification Sherloc (09022015). Collection method: clinical testing. Allele origin: germline.
Comment: This sequence change replaces serine, which is neutral and polar, with arginine, which is basic and polar, at codon 200 of the RTEL1 protein (p.Ser200Arg). This variant is present in population databases (rs771785679, gnomAD 0.03%). This variant has not been reported in the literature in individuals affected with RTEL1-related conditions. This variant is also known as c.672C>A. ClinVar contains an entry for this variant (Variation ID: 661896). An algorithm developed to predict the effect of missense changes on protein structure and function (PolyPhen-2) suggests that this variant is likely to be tolerated. In summary, the available evidence is currently insufficient to determine the role of this variant in disease. Therefore, it has been classified as a Variant of Uncertain Significance.

Ambry Genetics
Classification: Uncertain significance for Inborn genetic diseases. Last evaluated: 2025-09-09. Review status: criteria provided, single submitter. Criteria: Ambry Variant Classification Scheme 2023. Collection method: clinical testing. Allele origin: germline.

Natera, Inc.
Classification: Uncertain significance for Dyskeratosis congenita. Last evaluated: 2020-03-18. Review status: no assertion criteria provided. Collection method: clinical testing. Allele origin: germline. Not counted in ClinVar's aggregate classification.

NM_001283009.2(RTEL1):c.600C>A (p.Ser200Arg)

Genes: RTEL1 (regulator of telomere elongation helicase 1; plus strand), RTEL1-TNFRSF6B (RTEL1-TNFRSF6B readthrough (NMD candidate); plus strand). Cytogenetic location: 20q13.33.
Variant type: single nucleotide variant.
Coding change: c.600C>A on transcript NM_001283009.2 (MANE Select); coding-DNA position 600, C replaced by A.
Protein change: p.Ser200Arg; replaces serine 200 with arginine.
Molecular consequence: missense variant. On other transcripts: non-coding transcript variant (1), 5 prime UTR variant (1).
Genome position (GRCh38, 1-based): chr20:63,666,065, C>A. VCF-style: chr20-63666065-C-A. GRCh37 (hg19) VCF-style: chr20-62297418-C-A.
Other names: c.-70C>A (NM_001283010.1); c.600C>A, p.Ser200Arg (NM_016434.4); c.672C>A, p.Ser224Arg (NM_032957.5); short protein forms S224R, S200R.
Identifiers: ClinVar variation 661896 (VCV000661896.9), dbSNP rs771785679, ClinGen allele CA9964346.